The following is an entry in ClinVar:

ClinVar aggregate classification (germline): Likely benign. Review status: criteria provided, single submitter (1 of 4 stars). 3 submissions from 3 submitters: Likely benign (1). 2 of the submissions do not count toward it. Last evaluated 2023-03-23.

Conditions:
Hereditary cancer-predisposing syndrome. Also called: Tumor predisposition; Hereditary neoplastic syndrome; Neoplastic Syndromes, Hereditary; Hereditary Cancer Syndrome. Identifiers: Orphanet 140162, MedGen C0027672, MeSH D009386, MONDO:0015356.

Allele frequency attached by ClinVar (database versions not stated): gnomAD exomes below 0.00001.
gnomAD v4.1: 1 of 1,613,936 alleles (0.000062%); highest among the groups gnomAD compares: Non-Finnish European, 0.000085%; no homozygotes.

Submissions (3):

University of Washington Department of Laboratory Medicine, University of Washington
Classification: Likely benign for Hereditary cancer-predisposing syndrome. Last evaluated: 2023-03-23. Review status: criteria provided, single submitter. Criteria: Dines et al. (Genet Med. 2020). Collection method: curation. Allele origin: germline.
Comment: Missense variant in a coldspot region where missense variants are very unlikely to be pathogenic (PMID:31911673).

BRCA2 exon 11 coldspot. Reclassification based on statistical prior probability.

Clinical Genetics DNA and cytogenetics Diagnostics Lab, Erasmus MC, Erasmus Medical Center
Classification: Likely benign. Review status: no assertion criteria provided. Collection method: clinical testing. Allele origin: germline. Affected: yes. Study: VKGL Data-share Consensus. Not counted in ClinVar's aggregate classification.

Joint Genome Diagnostic Labs from Nijmegen and Maastricht, Radboudumc and MUMC+
Classification: Likely benign. Review status: no assertion criteria provided. Collection method: clinical testing. Allele origin: germline. Affected: yes. Study: VKGL Data-share Consensus. Not counted in ClinVar's aggregate classification.

NM_000059.4(BRCA2):c.2219C>T (p.Pro740Leu)

Gene: BRCA2 (BRCA2 DNA repair associated; plus strand). Cytogenetic location: 13q13.1.
Variant type: single nucleotide variant.
Coding change: c.2219C>T on transcript NM_000059.4 (MANE Select); coding-DNA position 2219, C replaced by T.
Protein change: p.Pro740Leu; replaces proline 740 with leucine.
Molecular consequence: missense variant.
Genome position (GRCh38, 1-based): chr13:32,336,574, C>T. VCF-style: chr13-32336574-C-T. GRCh37 (hg19) VCF-style: chr13-32910711-C-T.
Other names: short protein forms P740L.
Identifiers: ClinVar variation 1297517 (VCV001297517.5), dbSNP rs2137484362, ClinGen allele CA387770668.